The following is an entry in ClinVar:

NM_001448.3(GPC4):c.1061G>A (p.Arg354His)

Gene: GPC4 (glypican 4; minus strand). Cytogenetic location: Xq26.2.
Variant type: single nucleotide variant.
Coding change: c.1061G>A on transcript NM_001448.3 (MANE Select); coding-DNA position 1061, G replaced by A.
Protein change: p.Arg354His; replaces arginine 354 with histidine.
Molecular consequence: missense variant.
Genome position (GRCh38, 1-based): chrX:133,305,866, C>T on the plus strand (G>A on the coding strand, the complement: GPC4 is on the minus strand). VCF-style: chrX-133305866-C-T. GRCh37 (hg19) VCF-style: chrX-132439894-C-T.
Other names: short protein forms R354H.
Identifiers: ClinVar variation 4538814 (VCV004538814.1).
Genomic context (GRCh38, chrX:133,305,866, plus strand): 5'-GGGCGTTCCTCGGGGTGATGTGGTCTGAAGCGAGCACTGAAGGCACTTTCAGAGATGGAA[C>T]GAGAAATTCGTCCAGCTGGGAGGGGCTTGGGGGGTCCACATCCCTGGAAAACCTGCATTA-3'
Protein context (NP_001439.2, residues 344-364): PKPLPAGRIS[Arg354His]SISESAFSAR

ClinVar aggregate classification (germline): Uncertain significance (1 of 4 stars; one submission).

Submission:

GeneDx
Classification: Uncertain significance. Last evaluated: 2025-06-20. Review status: criteria provided, single submitter. Criteria: GeneDx Variant Classification Process June 2021. Collection method: clinical testing. Allele origin: germline. Affected: yes.
Comment: Not observed at significant frequency in large population cohorts (gnomAD); In silico analysis suggests that this missense variant does not alter protein structure/function; Has not been previously published as pathogenic or benign to our knowledge